The following is an entry in ClinVar:

ClinVar aggregate classification (germline): Uncertain significance (1 of 4 stars; one submission).

Submission:

GeneDx
Classification: Uncertain significance. Last evaluated: 2024-02-04. Review status: criteria provided, single submitter. Criteria: GeneDx Variant Classification Process June 2021. Collection method: clinical testing. Allele origin: germline. Affected: yes.
Comment: Not observed at significant frequency in large population cohorts (gnomAD); In silico analysis is inconclusive as to whether the variant alters gene splicing. In the absence of RNA/functional studies, the actual effect of this sequence change is unknown; In silico analysis supports that this missense variant does not alter protein structure/function; Has not been previously published as pathogenic or benign to our knowledge

NM_006545.5(NPRL2):c.458A>G (p.Asn153Ser)

Gene: NPRL2 (NPR2 like, GATOR1 complex subunit; minus strand). Cytogenetic location: 3p21.31.
Variant type: single nucleotide variant.
Coding change: c.458A>G on transcript NM_006545.5 (MANE Select); coding-DNA position 458, A replaced by G.
Protein change: p.Asn153Ser; replaces asparagine 153 with serine.
Molecular consequence: missense variant.
Genome position (GRCh38, 1-based): chr3:50,349,001, T>C on the plus strand (A>G on the coding strand, the complement: NPRL2 is on the minus strand). VCF-style: chr3-50349001-T-C. GRCh37 (hg19) VCF-style: chr3-50386432-T-C.
Other names: short protein forms N153S.
Identifiers: ClinVar variation 3368446 (VCV003368446.1).